The following is an entry in ClinVar:

ClinVar aggregate classification (germline): Benign/Likely benign. Review status: criteria provided, multiple submitters, no conflicts (2 of 4 stars). 5 submissions from 5 submitters: Benign (4); Likely benign (1). Last evaluated 2026-02-02.

Conditions:
Long QT syndrome (LQTS). Identifiers: MedGen C0023976, MeSH D008133, MONDO:0002442. Disease mechanism: loss of function. Inheritance: Various modes of inheritance.

Allele frequency attached by ClinVar (database versions not stated): gnomAD exomes 0.00039; ExAC 0.00053; 1000 Genomes Project 0.00120; gnomAD 0.00135 and 0.00146; TOPMed 0.00139; 1000 Genomes Project 30x 0.00156; ESP Exome Variant Server 0.00169.
gnomAD v4.1: 428 of 1,589,418 alleles (0.027%); highest among the groups gnomAD compares: African/African-American, 0.45%; no homozygotes.

Submissions (5):

Labcorp Genetics (formerly Invitae), Labcorp
Classification: Benign for Long QT syndrome. Last evaluated: 2026-02-02. Review status: criteria provided, single submitter. Criteria: Invitae Variant Classification Sherloc (09022015). Collection method: clinical testing. Allele origin: germline.

Blueprint Genetics
Classification: Likely benign. Last evaluated: 2024-10-08. Review status: criteria provided, single submitter. Criteria: ACMG Guidelines, 2015. Collection method: clinical testing. Allele origin: germline.

Women's Health and Genetics/Laboratory Corporation of America, LabCorp
Classification: Benign. Last evaluated: 2021-05-17. Review status: criteria provided, single submitter. Criteria: LabCorp Variant Classification Summary - May 2015. Collection method: clinical testing. Allele origin: germline.
Comment: Variant summary: KCNQ1 c.1032+11C>T alters a non-conserved nucleotide located close to a canonical splice site and therefore could affect mRNA splicing, leading to a significantly altered protein sequence. 4/4 computational tools predict no significant impact on normal splicing. However, these predictions have yet to be confirmed by functional studies. The variant allele was found at a frequency of 0.00039 in 251070 control chromosomes, predominantly at a frequency of 0.0046 within the African or African-American subpopulation in the gnomAD database. The observed variant frequency within African or African-American control individuals in the gnomAD database is approximately 46-fold of the estimated maximal expected allele frequency for a pathogenic variant in KCNQ1 causing Arrhythmia phenotype (0.0001), strongly suggesting that the variant is a benign polymorphism found primarily in populations of African or African-American origin. c.1032+11C>T has been reported in the literature in a study evaluating high resolution melting (HRM) analysis for KCNQ1 and KCNH2 genes (Millat_2011). This report does not provide unequivocal conclusions about association of the variant with Arrhythmia. To our knowledge, no experimental evidence demonstrating an impact on protein function has been reported. No clinical diagnostic laboratories have submitted clinical-significance assessments for this variant to ClinVar after 2014. Based on the evidence outlined above, the variant was classified as benign.

GeneDx
Classification: Benign. Last evaluated: 2015-03-03. Review status: criteria provided, single submitter. Criteria: GeneDx Variant Classification Process June 2021. Collection method: clinical testing. Allele origin: germline. Affected: yes.

Laboratory for Molecular Medicine, Mass General Brigham Personalized Medicine
Classification: Benign. Last evaluated: 2012-04-30. Review status: criteria provided, single submitter. Criteria: LMM Criteria. Collection method: clinical testing. Allele origin: germline. Observed: 3 variant alleles.
Comment: 1032+11C>T in Intron 07 of KCNQ1: This variant is not expected to have clinical significance because it is not located within the conserved splice consensus seq uence and has been identified in 0.5% (20/3738) of African American chromosomes from a broad population by the NHLBI Exome Sequencing Project.

Literature cited by the submitters: PubMed 20851114 (cited by Women's Health and Genetics/Laboratory Corporation of America, LabCorp).

NM_000218.3(KCNQ1):c.1032+11C>T

Gene: KCNQ1 (potassium voltage-gated channel subfamily Q member 1; plus strand). Cytogenetic location: 11p15.5.
Variant type: single nucleotide variant.
Coding change: c.1032+11C>T on transcript NM_000218.3 (MANE Select); 11 bases into the intron after coding-DNA position 1032, C replaced by T.
Molecular consequence: intron variant.
Genome position (GRCh38, 1-based): chr11:2,583,556, C>T. VCF-style: chr11-2583556-C-T. GRCh37 (hg19) VCF-style: chr11-2604786-C-T.
Other names: c.762+11C>T (NM_001406837.1); c.1032+11C>T (NM_001406836.1); c.588+11C>T (NM_001406838.1); c.651+11C>T (NM_181798.2).
Identifiers: ClinVar variation 163741 (VCV000163741.17), dbSNP rs201144841, ClinGen allele CA004977.
Genomic context (GRCh38, chr11:2,583,556, plus strand): 5'-TCGCCTCCTGCTTCTCTGTCTTTGCCATCTCCTTCTTTGCGCTCCCAGCGGTAGGTGCCC[C>T]GTGGGTGCGTTTTCCCTGGCTCCTTGGACAGCTGGGGTCCTGGGGTGGCTGCACGCCCCT-3'